The following is an entry in ClinVar:

ClinVar aggregate classification (germline): Uncertain significance. Review status: criteria provided, multiple submitters, no conflicts (2 of 4 stars). 2 submissions from 2 submitters: Uncertain significance (2). Last evaluated 2023-04-14.

Conditions:
DICER1-related tumor predisposition. Also called: DICER1 syndrome; DICER1-related pleuropulmonary blastoma cancer predisposition syndrome. Identifiers: Orphanet 284343, MedGen C3839822, MONDO:0100216.
Hereditary cancer-predisposing syndrome. Also called: Tumor predisposition; Hereditary neoplastic syndrome; Neoplastic Syndromes, Hereditary; Hereditary Cancer Syndrome. Identifiers: Orphanet 140162, MedGen C0027672, MeSH D009386, MONDO:0015356.

Allele frequency attached by ClinVar (database versions not stated): gnomAD exomes below 0.00001.
gnomAD v4.1: 1 of 1,613,918 alleles (0.000062%); highest among the groups gnomAD compares: Non-Finnish European, 0.000085%; no homozygotes.

Submissions (2):

Ambry Genetics
Classification: Uncertain significance for Hereditary cancer-predisposing syndrome. Last evaluated: 2023-04-14. Review status: criteria provided, single submitter. Criteria: Ambry Variant Classification Scheme 2023. Collection method: clinical testing. Allele origin: germline.
Comment: The p.D418G variant (also known as c.1253A>G), located in coding exon 7 of the DICER1 gene, results from an A to G substitution at nucleotide position 1253. The aspartic acid at codon 418 is replaced by glycine, an amino acid with similar properties. This amino acid position is conserved. In addition, this alteration is predicted to be tolerated by in silico analysis. Since supporting evidence is limited at this time, the clinical significance of this alteration remains unclear.

Labcorp Genetics (formerly Invitae), Labcorp
Classification: Uncertain significance for DICER1-related tumor predisposition. Last evaluated: 2022-10-16. Review status: criteria provided, single submitter. Criteria: Invitae Variant Classification Sherloc (09022015). Collection method: clinical testing. Allele origin: germline.
Comment: This variant is not present in population databases (gnomAD no frequency). In summary, the available evidence is currently insufficient to determine the role of this variant in disease. Therefore, it has been classified as a Variant of Uncertain Significance. Algorithms developed to predict the effect of missense changes on protein structure and function are either unavailable or do not agree on the potential impact of this missense change (SIFT: "Deleterious"; PolyPhen-2: "Possibly Damaging"; Align-GVGD: "Class C0"). ClinVar contains an entry for this variant (Variation ID: 1381953). This variant has not been reported in the literature in individuals affected with DICER1-related conditions. This sequence change replaces aspartic acid, which is acidic and polar, with glycine, which is neutral and non-polar, at codon 418 of the DICER1 protein (p.Asp418Gly).

NM_177438.3(DICER1):c.1253A>G (p.Asp418Gly)

Gene: DICER1 (dicer 1, ribonuclease III; minus strand). Cytogenetic location: 14q32.13.
Variant type: single nucleotide variant.
Coding change: c.1253A>G on transcript NM_177438.3 (MANE Select); coding-DNA position 1253, A replaced by G.
Protein change: p.Asp418Gly; replaces aspartic acid 418 with glycine.
Molecular consequence: missense variant.
Genome position (GRCh38, 1-based): chr14:95,124,319, T>C on the plus strand (A>G on the coding strand, the complement: DICER1 is on the minus strand). VCF-style: chr14-95124319-T-C. GRCh37 (hg19) VCF-style: chr14-95590656-T-C.
Other names: c.1253A>G (NM_177438.2); c.1253A>G, p.Asp418Gly (NM_001195573.1, NM_001271282.3, NM_001291628.2 and 1 more transcripts); short protein forms D418G.
Identifiers: ClinVar variation 1381953 (VCV001381953.8), dbSNP rs2140202621, ClinGen allele CA390886490.